The following is an entry in ClinVar:

NM_000264.5(PTCH1):c.634G>C (p.Glu212Gln)

Gene: PTCH1 (patched 1; minus strand). Cytogenetic location: 9q22.32.
Variant type: single nucleotide variant.
Coding change: c.634G>C on transcript NM_000264.5 (MANE Select); coding-DNA position 634, G replaced by C.
Protein change: p.Glu212Gln; replaces glutamic acid 212 with glutamine.
Molecular consequence: missense variant. On other transcripts: non-coding transcript variant (1).
Genome position (GRCh38, 1-based): chr9:95,482,154, C>G on the plus strand (G>C on the coding strand, the complement: PTCH1 is on the minus strand). VCF-style: chr9-95482154-C-G. GRCh37 (hg19) VCF-style: chr9-98244436-C-G.
Other names: c.436G>C, p.Glu146Gln (NM_001083602.3, NM_001354919.2); c.631G>C, p.Glu211Gln (NM_001083603.3); c.181G>C, p.Glu61Gln (NM_001083604.3, NM_001083605.3, NM_001083606.3 and 1 more transcripts); c.634G>C, p.Glu212Gln (NM_001354918.2); short protein forms E146Q, E211Q, E212Q, E61Q.
Identifiers: ClinVar variation 5027489 (VCV005027489.1).
Genomic context (GRCh38, chr9:95,482,154, plus strand): 5'-GTGTTCCTGAGAAATTTTTGCCAACAAGAAGAAAATATACCTGATCCATGTAACCTGTTT[C>G]TGTGATAAGCTCTCCTGATTTGTAACACAAATGTTCCAATTTCCACTGCCTAATAAAATG-3'
Protein context (NP_000255.2, residues 202-222): LCYKSGELIT[Glu212Gln]TGYMDQIIEY

ClinVar aggregate classification (germline): Uncertain significance (1 of 4 stars; one submission).

Conditions:
Hereditary cancer-predisposing syndrome. Also called: Neoplastic Syndromes, Hereditary; Tumor predisposition; Hereditary neoplastic syndrome; Hereditary Cancer Syndrome. Identifiers: Orphanet 140162, MedGen C0027672, MeSH D009386, MONDO:0015356.

Submission:

Ambry Genetics
Classification: Uncertain significance for Hereditary cancer-predisposing syndrome. Last evaluated: 2026-07-07. Review status: criteria provided, single submitter. Criteria: Ambry Variant Classification Scheme 2023. Collection method: clinical testing. Allele origin: germline.
Comment: The p.E146Q variant (also known as c.436G>C), located in coding exon 4 of the PTCH1 gene, results from a G to C substitution at nucleotide position 436. The glutamic acid at codon 146 is replaced by glutamine, an amino acid with highly similar properties. This amino acid position is conserved. In addition, this alteration is predicted to be deleterious by in silico analysis. Based on the available evidence, the clinical significance of this variant remains unclear.